The following is an entry in ClinVar:

ClinVar aggregate classification (germline): Uncertain significance (1 of 4 stars; one submission).

Conditions:
Primary ciliary dyskinesia. Also called: Ciliary dyskinesia. Identifiers: Orphanet 244, MedGen C0008780, MONDO:0016575, HP:0012265.

Allele frequency attached by ClinVar (database versions not stated): gnomAD exomes below 0.00001; TOPMed 0.00001.
gnomAD v4.1: 7 of 1,613,796 alleles (0.00043%); highest among the groups gnomAD compares: East Asian, 0.0022%; no homozygotes.

Submission:

Labcorp Genetics (formerly Invitae), Labcorp
Classification: Uncertain significance for Primary ciliary dyskinesia. Last evaluated: 2025-11-06. Review status: criteria provided, single submitter. Criteria: Invitae Variant Classification Sherloc (09022015). Collection method: clinical testing. Allele origin: germline.
Comment: This sequence change replaces alanine, which is neutral and non-polar, with threonine, which is neutral and polar, at codon 311 of the RSPH4A protein (p.Ala311Thr). This variant is not present in population databases (gnomAD no frequency). This variant has not been reported in the literature in individuals affected with RSPH4A-related conditions. ClinVar contains an entry for this variant (Variation ID: 937504). Invitae Evidence Modeling of protein sequence and biophysical properties (such as structural, functional, and spatial information, amino acid conservation, physicochemical variation, residue mobility, and thermodynamic stability) indicates that this missense variant is not expected to disrupt RSPH4A protein function with a negative predictive value of 80%. In summary, the available evidence is currently insufficient to determine the role of this variant in disease. Therefore, it has been classified as a Variant of Uncertain Significance.

NM_001010892.3(RSPH4A):c.931G>A (p.Ala311Thr)

Gene: RSPH4A (radial spoke head component 4A; plus strand). Cytogenetic location: 6q22.1.
Variant type: single nucleotide variant.
Coding change: c.931G>A on transcript NM_001010892.3 (MANE Select); coding-DNA position 931, G replaced by A.
Protein change: p.Ala311Thr; replaces alanine 311 with threonine.
Molecular consequence: missense variant.
Genome position (GRCh38, 1-based): chr6:116,627,638, G>A. VCF-style: chr6-116627638-G-A. GRCh37 (hg19) VCF-style: chr6-116948801-G-A.
Other names: c.931G>A, p.Ala311Thr (NM_001161664.2); short protein forms A311T.
Identifiers: ClinVar variation 937504 (VCV000937504.2), dbSNP rs1330301417, ClinGen allele CA365402938.